The following is an entry in ClinVar:

NM_021930.6(RINT1):c.8C>T (p.Pro3Leu)

Gene: RINT1 (RAD50 interactor 1; plus strand). Cytogenetic location: 7q22.3.
Variant type: single nucleotide variant.
Coding change: c.8C>T on transcript NM_021930.6 (MANE Select); coding-DNA position 8, C replaced by T.
Protein change: p.Pro3Leu; replaces proline 3 with leucine.
Molecular consequence: missense variant. On other transcripts: 5 prime UTR variant (4), non-coding transcript variant (1).
Genome position (GRCh38, 1-based): chr7:105,532,323, C>T. VCF-style: chr7-105532323-C-T. GRCh37 (hg19) VCF-style: chr7-105172770-C-T.
Other names: c.-90C>T (NM_001346599.2); c.-1012C>T (NM_001346600.2); c.-915C>T (NM_001346601.2); c.-535C>T (NM_001346603.2); short protein forms P3L.
Identifiers: ClinVar variation 2496976 (VCV002496976.3), dbSNP rs1276027114, ClinGen allele CA368798951.

ClinVar aggregate classification (germline): Uncertain significance (1 of 4 stars; one submission).

Allele frequency attached by ClinVar (database versions not stated): gnomAD exomes below 0.00001; TOPMed 0.00001.
gnomAD v4.1: 1 of 1,593,696 alleles (0.000063%); highest among the groups gnomAD compares: Non-Finnish European, 0.000085%; no homozygotes.

Submission:

Ambry Genetics
Classification: Uncertain significance. Last evaluated: 2025-04-09. Review status: criteria provided, single submitter. Criteria: Ambry Variant Classification Scheme 2023. Collection method: clinical testing. Allele origin: germline.
Comment: The p.P3L variant (also known as c.8C>T), located in coding exon 1 of the RINT1 gene, results from a C to T substitution at nucleotide position 8. The proline at codon 3 is replaced by leucine, an amino acid with similar properties. This amino acid position is conserved. In addition, this alteration is predicted to be tolerated by in silico analysis. Since supporting evidence is limited at this time, the clinical significance of this alteration remains unclear.